The following is an entry in ClinVar:

NM_000891.3(KCNJ2):c.660C>T (p.Ser220=)

Gene: KCNJ2 (potassium inwardly rectifying channel subfamily J member 2; plus strand). Cytogenetic location: 17q24.3.
Variant type: single nucleotide variant.
Coding change: c.660C>T on transcript NM_000891.3 (MANE Select); coding-DNA position 660, C replaced by T.
Protein change: p.Ser220=; no amino-acid change (serine 220 retained).
Molecular consequence: synonymous variant.
Genome position (GRCh38, 1-based): chr17:70,175,699, C>T. VCF-style: chr17-70175699-C-T. GRCh37 (hg19) VCF-style: chr17-68171840-C-T.
Other names: p.Ser220=.
Identifiers: ClinVar variation 36434 (VCV000036434.28), dbSNP rs7221086, ClinGen allele CA214114.

ClinVar aggregate classification (germline): Benign. Review status: criteria provided, multiple submitters, no conflicts (2 of 4 stars). 11 submissions from 9 submitters: Benign (11). Last evaluated 2026-02-04.

Conditions:
Cardiovascular phenotype. Identifiers: MedGen CN230736.
Cardiac arrhythmia. Also called: Arrhythmia; Cardiac rhythm disease. Identifiers: MedGen C0003811, MONDO:0007263, HP:0011675.
Short QT syndrome type 3. Identifiers: Orphanet 51083, MedGen C1865018, MONDO:0012314, OMIM 609622.
Andersen Tawil syndrome (LQT7). Also called: LONG QT SYNDROME 7; Andersen Syndrome; Potassium-sensitive periodic paralysis, ventricular ectopy, and dysmorphic features; PERIODIC PARALYSIS, POTASSIUM-SENSITIVE CARDIODYSRHYTHMIC TYPE; ANDERSEN CARDIODYSRHYTHMIC PERIODIC PARALYSIS. Identifiers: Orphanet 37553, MedGen C1563715, MONDO:0008222, OMIM 170390.
Atrial fibrillation, familial, 9 (ATFB9). Identifiers: MedGen C3151431, MONDO:0013513, OMIM 613980.

Allele frequency attached by ClinVar (database versions not stated): gnomAD 0.06793 and 0.06356; 1000 Genomes Project 0.07288; TOPMed 0.07260; gnomAD exomes 0.00629 and 0.01695; ExAC 0.02084; 1000 Genomes Project 30x 0.07839; ESP Exome Variant Server 0.07604.

Submissions (11):

Labcorp Genetics (formerly Invitae), Labcorp
Classification: Benign for Short QT syndrome type 3; Andersen Tawil syndrome. Last evaluated: 2026-02-04. Review status: criteria provided, single submitter. Criteria: Invitae Variant Classification Sherloc (09022015). Collection method: clinical testing. Allele origin: germline.

Molecular Diagnostic Laboratory for Inherited Cardiovascular Disease, Montreal Heart Institute
Classification: Benign. Last evaluated: 2025-04-09. Review status: criteria provided, single submitter. Criteria: ACMG Guidelines, 2015. Collection method: clinical testing. Allele origin: germline. Affected: no.

Mayo Clinic Laboratories, Mayo Clinic
Classification: Benign. Last evaluated: 2018-02-28. Review status: criteria provided, single submitter. Criteria: ACMG Guidelines, 2015. Collection method: clinical testing. Allele origin: germline. Observed: 78 variant alleles.

Illumina Laboratory Services, Illumina
Classification: Benign for Andersen Tawil syndrome. Last evaluated: 2017-04-27. Review status: criteria provided, single submitter. Criteria: ICSL Variant Classification Criteria 13 December 2019. Collection method: clinical testing. Allele origin: germline.
Comment: This variant was observed as part of a predisposition screen in an ostensibly healthy population. A literature search was performed for the gene, cDNA change, and amino acid change (where applicable). No publications were found based on this search. Allele frequency data from public databases was too high to be consistent with this variant causing disease. Therefore, this variant is classified as benign.

Illumina Laboratory Services, Illumina
Classification: Benign for Short QT syndrome type 3. Last evaluated: 2017-04-27. Review status: criteria provided, single submitter. Criteria: ICSL Variant Classification Criteria 13 December 2019. Collection method: clinical testing. Allele origin: germline.
Comment: the same text as in the submission from Illumina Laboratory Services, Illumina above.

Illumina Laboratory Services, Illumina
Classification: Benign for Atrial fibrillation, familial, 9. Last evaluated: 2017-04-27. Review status: criteria provided, single submitter. Criteria: ICSL Variant Classification Criteria 13 December 2019. Collection method: clinical testing. Allele origin: germline.
Comment: the same text as in the submission from Illumina Laboratory Services, Illumina above.

Ambry Genetics
Classification: Benign for Cardiovascular phenotype. Last evaluated: 2015-07-28. Review status: criteria provided, single submitter. Criteria: Ambry Variant Classification Scheme 2023. Collection method: clinical testing. Allele origin: germline.

GeneDx
Classification: Benign. Last evaluated: 2015-03-03. Review status: criteria provided, single submitter. Criteria: GeneDx Variant Classification Process June 2021. Collection method: clinical testing. Allele origin: germline. Affected: yes.

Women's Health and Genetics/Laboratory Corporation of America, LabCorp
Classification: Benign for Arrhythmia. Last evaluated: 2011-08-18. Review status: criteria provided, single submitter. Criteria: LabCorp Variant Classification Summary - May 2015. Collection method: curation. Allele origin: germline. Inheritance: autosomal unknown. Affected: yes.
ClinVar note: Converted during submission from benign to Benign.

Breakthrough Genomics
Classification: Benign. Review status: criteria provided, single submitter. Criteria: ACMG Guidelines, 2015. Collection method: not provided. Allele origin: germline. Inheritance: Autosomal dominant inheritance. Affected: yes.

PreventionGenetics, part of Exact Sciences
Classification: Benign. Review status: criteria provided, single submitter. Criteria: ACMG Guidelines, 2015. Collection method: clinical testing. Allele origin: germline.